The following is an entry in ClinVar:

ClinVar aggregate classification (germline): Uncertain significance (1 of 4 stars; one submission).

Conditions:
Epidermodysplasia verruciformis. Identifiers: Orphanet 302, MedGen C0014522, MONDO:0009176.

Allele frequency attached by ClinVar (database versions not stated): ExAC 0.00001; gnomAD 0.00001.
gnomAD v4.1: 3 of 1,612,410 alleles (0.00019%); highest among the groups gnomAD compares: African/African-American, 0.0027%; no homozygotes.

Submission:

Labcorp Genetics (formerly Invitae), Labcorp
Classification: Uncertain significance for Epidermodysplasia verruciformis. Last evaluated: 2024-02-17. Review status: criteria provided, single submitter. Criteria: Invitae Variant Classification Sherloc (09022015). Collection method: clinical testing. Allele origin: germline.
Comment: This sequence change replaces proline, which is neutral and non-polar, with threonine, which is neutral and polar, at codon 4 of the TMC6 protein (p.Pro4Thr). The frequency data for this variant in the population databases is considered unreliable, as metrics indicate poor data quality at this position in the gnomAD database. This variant has not been reported in the literature in individuals affected with TMC6-related conditions. ClinVar contains an entry for this variant (Variation ID: 946090). An algorithm developed to predict the effect of missense changes on protein structure and function (PolyPhen-2) suggests that this variant is likely to be tolerated. In summary, the available evidence is currently insufficient to determine the role of this variant in disease. Therefore, it has been classified as a Variant of Uncertain Significance.

NM_001127198.5(TMC6):c.10C>A (p.Pro4Thr)

Gene: TMC6 (transmembrane channel like 6; minus strand). Cytogenetic location: 17q25.3.
Variant type: single nucleotide variant.
Coding change: c.10C>A on transcript NM_001127198.5 (MANE Select); coding-DNA position 10, C replaced by A.
Protein change: p.Pro4Thr; replaces proline 4 with threonine.
Molecular consequence: missense variant.
Genome position (GRCh38, 1-based): chr17:78,126,823, G>T on the plus strand (C>A on the coding strand, the complement: TMC6 is on the minus strand). VCF-style: chr17-78126823-G-T. GRCh37 (hg19) VCF-style: chr17-76122904-G-T.
Other names: c.10C>A, p.Pro4Thr (NM_001321185.1, NM_001374593.1, NM_001374594.1 and 4 more transcripts); short protein forms P4T.
Identifiers: ClinVar variation 946090 (VCV000946090.8), dbSNP rs756095076, ClinGen allele CA8796298.
Genomic context (GRCh38, chr17:78,126,823, plus strand): 5'-CCCAGAGCGCTTACCCCTGGTCCCCTGGGGTCTCAGGGACATCGAGGATGAAGGCCAGTG[G>T]CTGGGCCATGTCTCTGGCCAATGCCCGCTAGTCTGCAGACCTAGGGTAGCTCAGAGCCTG-3'
Protein context (NP_001120670.1, residues 1-14): MAQ[Pro4Thr]LAFILDVPET